The following is an entry in ClinVar:

ClinVar aggregate classification (germline): Uncertain significance (1 of 4 stars; one submission).

Conditions:
Hereditary cancer-predisposing syndrome. Also called: Hereditary Cancer Syndrome; Tumor predisposition; Hereditary neoplastic syndrome; Neoplastic Syndromes, Hereditary. Identifiers: Orphanet 140162, MedGen C0027672, MeSH D009386, MONDO:0015356.

Submission:

Ambry Genetics
Classification: Uncertain significance for Hereditary cancer-predisposing syndrome. Last evaluated: 2024-06-26. Review status: criteria provided, single submitter. Criteria: Ambry Variant Classification Scheme 2023. Collection method: clinical testing. Allele origin: germline.
Comment: The c.2173dupC variant, located in coding exon 14 of the NBN gene, results from a duplication of C at nucleotide position 2173, causing a translational frameshift with a predicted alternate stop codon (p.Q725Pfs*17). This alteration occurs at the 3' terminus of theNBN gene, is not expected to trigger nonsense-mediated mRNAdecay, and only impacts the last 4% of the protein. The exact functional effect of this alteration is unknown. Based on the available evidence, the clinical significance of this variant remains unclear.

NM_002485.5(NBN):c.2173dup (p.Gln725fs)

Gene: NBN (nibrin; minus strand). Cytogenetic location: 8q21.3.
Variant type: Duplication.
Coding change: c.2173dup on transcript NM_002485.5 (MANE Select); coding-DNA position 2173, one base duplicated (C; older notation c.2173dupC).
Protein change: p.Gln725fs; shifts the reading frame from glutamine 725.
Molecular consequence: frameshift variant.
Genome position (GRCh38, 1-based): chr8:89,943,264, G duplicated on the plus strand (C on the coding strand, the reverse complement: NBN is on the minus strand). VCF-style (leftmost placement, unchanged base first): chr8-89943263-T-TG. GRCh37 (hg19) VCF-style: chr8-90955491-T-TG.
Other names: c.1927dup, p.Gln643fs (NM_001024688.3); c.2173dupC (NM_002485.4); short protein forms Q643fs, Q725fs.
Identifiers: ClinVar variation 3403049 (VCV003403049.1).
Genomic context (GRCh38, chr8:89,943,263, plus strand): 5'-TGGACCAAAGTGCAATTTAAGCAAGTTTCTGGGCCTCACTTCCTACTAACCTCCATTTCC[T>TG]GCCTTAGCCACTCTTCTAGTTCTGTATTCTTTCGAGCATGATGAGCTATTAGATCTGATC-3'